The following is an entry in ClinVar:

ClinVar aggregate classification (germline): Benign/Likely benign. Review status: criteria provided, multiple submitters, no conflicts (2 of 4 stars). 18 submissions from 18 submitters: Benign (11); Likely benign (2). 5 of the submissions do not count toward it. Last evaluated 2026-09-21.

Conditions:
Restrictive cardiomyopathy. Identifiers: Orphanet 217632, MedGen C0007196, MeSH D002313, MONDO:0005201, HP:0001723.
Cardiomyopathy (CMYO). Also called: Cardiomyopathies. Identifiers: Orphanet 167848, MedGen C0878544, MONDO:0004994, HP:0001638. Inheritance: Various modes of inheritance.
Arrhythmogenic right ventricular cardiomyopathy (ARVD). Also called: Arrhythmogenic Right Ventricular Cardiomyopathy (ARVC); Cardiomyopathy, ARVC; Arrhythmogenic right ventricular dysplasia; Arrhythmogenic cardiomyopathy. Identifiers: Orphanet 247, MedGen C0349788, MeSH D019571, MONDO:0016587. Disease mechanism: loss of function. Inheritance: Various modes of inheritance.
Arrhythmogenic right ventricular dysplasia 10. Also called: Arrhythmogenic right ventricular dysplasia/cardiomyopathy, type 10; Arrhythmogenic Right Ventricular Dysplasia/Cardiomyopathy10; ARRHYTHMOGENIC RIGHT VENTRICULAR DYSPLASIA, FAMILIAL, 10. Identifiers: MedGen C1857777, MONDO:0012434, OMIM 610193.

Allele frequency attached by ClinVar (database versions not stated): gnomAD 0.00608 and 0.00649; 1000 Genomes Project 30x 0.00625; gnomAD exomes 0.00159; ESP Exome Variant Server 0.00583; 1000 Genomes Project 0.00619; ExAC 0.00188; TOPMed 0.00674.
gnomAD v4.1: 1,847 of 1,614,204 alleles (0.11%); highest among the groups gnomAD compares: African/African-American, 2.1%; 13 homozygotes.

Submissions (18):

Molecular Diagnostic Laboratory for Inherited Cardiovascular Disease, Montreal Heart Institute
Classification: Benign. Last evaluated: 2026-09-21. Review status: criteria provided, single submitter. Criteria: ACMG Guidelines, 2015. Collection method: clinical testing. Allele origin: germline. Affected: no.
Comment: BS1;BP4;BP6

CeGaT Center for Human Genetics Tuebingen
Classification: Likely benign. Last evaluated: 2026-08-01. Review status: criteria provided, single submitter. Criteria: CeGaT Center For Human Genetics Tuebingen Variant Classification Criteria Version 2. Collection method: clinical testing. Allele origin: germline. Affected: yes. Observed: 2 variant alleles.
Comment: DSG2: BP4, BS1

Labcorp Genetics (formerly Invitae), Labcorp
Classification: Benign for Arrhythmogenic right ventricular dysplasia 10. Last evaluated: 2026-02-03. Review status: criteria provided, single submitter. Criteria: Invitae Variant Classification Sherloc (09022015). Collection method: clinical testing. Allele origin: germline.

Blueprint Genetics
Classification: Likely benign. Last evaluated: 2024-09-13. Review status: criteria provided, single submitter. Criteria: ACMG Guidelines, 2015. Collection method: clinical testing. Allele origin: germline.

All of Us Research Program, National Institutes of Health
Classification: Benign for Arrhythmogenic right ventricular cardiomyopathy. Last evaluated: 2024-02-05. Review status: criteria provided, single submitter. Criteria: ACMG Guidelines, 2015. Collection method: clinical testing. Allele origin: germline. Inheritance: Autosomal dominant inheritance. Observed: 372 variant alleles, 367 heterozygotes, 5 homozygotes.
Comment: This study involves interpretation of variants in research participants for the purpose of population health screening. Participant phenotype was not available at the time of variant classification. Additional details can be found in publication PMID: 35346344, PMCID: PMC8962531

ARUP Laboratories, Molecular Genetics and Genomics, ARUP Laboratories
Classification: Benign. Last evaluated: 2023-10-10. Review status: criteria provided, single submitter. Criteria: ARUP Molecular Germline Variant Investigation Process 2024. Collection method: clinical testing. Allele origin: germline.

CHEO Genetics Diagnostic Laboratory, Children's Hospital of Eastern Ontario
Classification: Benign for Cardiomyopathy. Last evaluated: 2023-01-18. Review status: criteria provided, single submitter. Criteria: ACMG Guidelines, 2015. Collection method: clinical testing. Allele origin: germline.

Center for Advanced Laboratory Medicine, UC San Diego Health, University of California San Diego
Classification: Benign for Restrictive cardiomyopathy; Cardiomyopathy. Last evaluated: 2018-08-13. Review status: criteria provided, single submitter. Criteria: ACMG Guidelines, 2015. Collection method: clinical testing. Allele origin: germline. Affected: yes. Observed: 2 variant alleles.

Color Diagnostics, LLC DBA Color Health
Classification: Benign for Cardiomyopathy. Last evaluated: 2018-06-04. Review status: criteria provided, single submitter. Criteria: ACMG Guidelines, 2015. Collection method: clinical testing. Allele origin: germline.

GeneDx
Classification: Benign. Last evaluated: 2013-10-10. Review status: criteria provided, single submitter. Criteria: GeneDx Variant Classification (06012015). Collection method: clinical testing. Allele origin: germline. Affected: yes.
Comment: This variant is considered likely benign or benign based on one or more of the following criteria: it is a conservative change, it occurs at a poorly conserved position in the protein, it is predicted to be benign by multiple in silico algorithms, and/or has population frequency not consistent with disease.

Biesecker Lab/Clinical Genomics Section, National Institutes of Health
Classification: Benign. Last evaluated: 2013-06-24. Review status: criteria provided, single submitter. Criteria: Ng et al. (Circ Cardiovasc Genet. 2013). Collection method: research. Allele origin: unknown. Observed: 3 variant alleles. Study: ClinSeq.
Comment: The study set was not selected for affection status in relation to any cancer. Pathogenicity categories were based on literature curation. See Pubmed ID:23861362 for details.

Medical sequencing

Laboratory for Molecular Medicine, Mass General Brigham Personalized Medicine
Classification: Benign. Last evaluated: 2012-03-19. Review status: criteria provided, single submitter. Criteria: LMM Criteria. Collection method: clinical testing. Allele origin: germline. Observed: 13 variant alleles.
Comment: Thr903Ile in exon 15 of DSG2: This variant is not expected to have clinical sign ificance because it has been identified in 1.9% (60/3068) of African American ch romosomes from a broad population by the NHLBI Exome Sequencing Project (dbSNP rs34065672)

Breakthrough Genomics
Classification: Benign. Review status: criteria provided, single submitter. Criteria: ACMG Guidelines, 2015. Collection method: not provided. Allele origin: germline. Inheritance: Autosomal recessive inheritance. Affected: yes.

Women's Health and Genetics/Laboratory Corporation of America, LabCorp
Classification: Benign for Cardiomyopathy. Last evaluated: 2014-05-13. Review status: no assertion criteria provided. Collection method: clinical testing. Allele origin: germline. Not counted in ClinVar's aggregate classification.

Clinical Genetics DNA and cytogenetics Diagnostics Lab, Erasmus MC, Erasmus Medical Center
Classification: Benign. Review status: no assertion criteria provided. Collection method: clinical testing. Allele origin: germline. Affected: yes. Study: VKGL Data-share Consensus. Not counted in ClinVar's aggregate classification.

Clinical Genetics, Academic Medical Center
Classification: Benign. Review status: no assertion criteria provided. Collection method: clinical testing. Allele origin: germline. Affected: yes. Study: VKGL Data-share Consensus. Not counted in ClinVar's aggregate classification.

Genome Diagnostics Laboratory, University Medical Center Utrecht
Classification: Benign. Review status: no assertion criteria provided. Collection method: clinical testing. Allele origin: germline. Affected: yes. Study: VKGL Data-share Consensus. Not counted in ClinVar's aggregate classification.

Joint Genome Diagnostic Labs from Nijmegen and Maastricht, Radboudumc and MUMC+
Classification: Benign. Review status: no assertion criteria provided. Collection method: clinical testing. Allele origin: germline. Affected: yes. Study: VKGL Data-share Consensus. Not counted in ClinVar's aggregate classification.

NM_001943.5(DSG2):c.2708C>T (p.Thr903Ile)

Genes: DSG2 (desmoglein 2; plus strand), DSG2-AS1 (DSG2 antisense RNA 1; minus strand). Cytogenetic location: 18q12.1.
Variant type: single nucleotide variant.
Coding change: c.2708C>T on transcript NM_001943.5 (MANE Select); coding-DNA position 2708, C replaced by T.
Protein change: p.Thr903Ile; replaces threonine 903 with isoleucine.
Molecular consequence: missense variant.
Genome position (GRCh38, 1-based): chr18:31,546,094, C>T. VCF-style: chr18-31546094-C-T. GRCh37 (hg19) VCF-style: chr18-29126057-C-T.
Other names: p.T903I:ACT>ATT; short protein forms T903I.
Identifiers: ClinVar variation 36012 (VCV000036012.35), dbSNP rs34065672, ClinGen allele CA021881.